The following is an entry in ClinVar:

NM_000038.6(APC):c.220G>A (p.Glu74Lys)

Gene: APC (APC regulator of Wnt signaling pathway; plus strand). Cytogenetic location: 5q22.2.
Variant type: single nucleotide variant.
Coding change: c.220G>A on transcript NM_000038.6 (MANE Select); coding-DNA position 220, G replaced by A.
Protein change: p.Glu74Lys; replaces glutamic acid 74 with lysine.
Molecular consequence: missense variant. On other transcripts: 5 prime UTR variant (1).
Genome position (GRCh38, 1-based): chr5:112,766,410, G>A. VCF-style: chr5-112766410-G-A. GRCh37 (hg19) VCF-style: chr5-112102107-G-A.
Other names: c.220G>A, p.Glu74Lys (NM_001127510.3, NM_001354895.2, NM_001354896.2 and 2 more transcripts); c.250G>A, p.Glu84Lys (NM_001127511.3, NM_001354897.2, NM_001354902.2); c.145G>A, p.Glu49Lys (NM_001354898.2, NM_001354904.2); c.43G>A, p.Glu15Lys (NM_001354900.2, NM_001354901.2, NM_001354905.2); c.-816G>A (NM_001354906.2); short protein forms E74K, E84K, E15K, E49K.
Identifiers: ClinVar variation 482335 (VCV000482335.14), dbSNP rs876658941, ClinGen allele CA16021822.

ClinVar aggregate classification (germline): Pathogenic/Likely pathogenic. Review status: criteria provided, multiple submitters, no conflicts (2 of 4 stars). 2 submissions from 2 submitters: Pathogenic (1); Likely pathogenic (1). Last evaluated 2024-12-12.

Conditions:
Hereditary cancer-predisposing syndrome. Also called: Neoplastic Syndromes, Hereditary; Tumor predisposition; Hereditary Cancer Syndrome; Hereditary neoplastic syndrome. Identifiers: Orphanet 140162, MedGen C0027672, MeSH D009386, MONDO:0015356.
Familial adenomatous polyposis 1 (FAP1). Also called: FAMILIAL ADENOMATOUS POLYPOSIS 1, ATTENUATED; POLYPOSIS, ADENOMATOUS INTESTINAL. Identifiers: MedGen C2713442, MONDO:0021056, OMIM 175100. Disease mechanism: loss of function.

Submissions (2):

Ambry Genetics
Classification: Pathogenic for Hereditary cancer-predisposing syndrome. Last evaluated: 2024-12-12. Review status: criteria provided, single submitter. Criteria: Ambry Variant Classification Scheme 2023. Collection method: clinical testing. Allele origin: germline.
Comment: The c.220G>A pathogenic mutation (also known as p.E74K), located in coding exon 2 of the APC gene, results from a G to A substitution at nucleotide position 220. The amino acid change results in glutamic acid to lysine at codon 74, an amino acid with similar properties. However, this change occurs in the last base pair of coding exon 2, which makes it likely to have some effect on normal mRNA splicing. This variant was reported in individuals with features consistent with APC-related familial adenomatous polyposis (Ambry internal data). This nucleotide position is highly conserved in available vertebrate species. In addition, this amino acid position is highly conserved in available vertebrate species. In silico splice site analysis predicts that this alteration will weaken the native splice donor site and will result in the creation or strengthening of a novel splice donor site. RNA studies have demonstrated that this alteration results in abnormal splicing in the set of samples tested (Ambry internal data). This variant is considered to be rare based on population cohorts in the Genome Aggregation Database (gnomAD). Based on the supporting evidence, this variant is interpreted as a disease-causing mutation. However, alterations that result in premature termination in coding exon 2 may be associated with an attenuated phenotype and can have reduced penetrance compared to classic familial adenomatous polyposis syndrome. Clinical correlation is advised.

Labcorp Genetics (formerly Invitae), Labcorp
Classification: Likely pathogenic for Familial adenomatous polyposis 1. Last evaluated: 2024-10-14. Review status: criteria provided, single submitter. Criteria: Invitae Variant Classification Sherloc (09022015). Collection method: clinical testing. Allele origin: germline.
Comment: This sequence change replaces glutamic acid, which is acidic and polar, with lysine, which is basic and polar, at codon 74 of the APC protein (p.Glu74Lys). RNA analysis indicates that this missense change induces altered splicing and may result in an absent or altered protein product. This variant is not present in population databases (gnomAD no frequency). This variant has not been reported in the literature in individuals affected with APC-related conditions. ClinVar contains an entry for this variant (Variation ID: 482335). An algorithm developed to predict the effect of missense changes on protein structure and function (PolyPhen-2) suggests that this variant is likely to be tolerated. Variants that disrupt the consensus splice site are a relatively common cause of aberrant splicing (PMID: 17576681, 9536098). Studies have shown that this missense change results in skipping of exon 3 and intron 3 inclusion, and produces a non-functional protein and/or introduces a premature termination codon (internal data). In summary, the currently available evidence indicates that the variant is pathogenic, but additional data are needed to prove that conclusively. Therefore, this variant has been classified as Likely Pathogenic.

Literature cited by the submitters: PubMed 17576681 (cited by Labcorp Genetics (formerly Invitae), Labcorp); PubMed 9536098 (cited by Labcorp Genetics (formerly Invitae), Labcorp).